The following is an entry in ClinVar:

NM_001142800.2(EYS):c.7559T>C (p.Phe2520Ser)

Gene: EYS (EGF-like photoreceptor maintenance factor; minus strand). Cytogenetic location: 6q12.
Variant type: single nucleotide variant.
Coding change: c.7559T>C on transcript NM_001142800.2 (MANE Select); coding-DNA position 7559, T replaced by C.
Protein change: p.Phe2520Ser; replaces phenylalanine 2520 with serine.
Molecular consequence: missense variant.
Genome position (GRCh38, 1-based): chr6:63,789,077, A>G on the plus strand (T>C on the coding strand, the complement: EYS is on the minus strand). VCF-style: chr6-63789077-A-G. GRCh37 (hg19) VCF-style: chr6-64498970-A-G.
Other names: c.7559T>C, p.Phe2520Ser (NM_001292009.2); short protein forms F2520S.
Identifiers: ClinVar variation 1507157 (VCV001507157.6), dbSNP rs2149670858, ClinGen allele CA364385613.
Genomic context (GRCh38, chr6:63,789,077, plus strand): 5'-TGCTCTCAGTTTGTGGAAGTGACGAAGGAATGACTCTTTACCTTCAGCCAGCCCTCTTGG[A>G]AGAACTTGCCCAGATGAACAGTGTGGACTCCAAGGCTCAGATTGAGGGGCTCGCTCCTGA-3'
Protein context (NP_001136272.1, residues 2510-2530): GVHTVHLGKF[Phe2520Ser]QEGWLKVDDH

ClinVar aggregate classification (germline): Uncertain significance (1 of 4 stars; one submission).

Submission:

Labcorp Genetics (formerly Invitae), Labcorp
Classification: Uncertain significance. Last evaluated: 2024-07-01. Review status: criteria provided, single submitter. Criteria: Invitae Variant Classification Sherloc (09022015). Collection method: clinical testing. Allele origin: germline.
Comment: This sequence change replaces phenylalanine, which is neutral and non-polar, with serine, which is neutral and polar, at codon 2520 of the EYS protein (p.Phe2520Ser). This variant is not present in population databases (gnomAD no frequency). This variant has not been reported in the literature in individuals affected with EYS-related conditions. ClinVar contains an entry for this variant (Variation ID: 1507157). Advanced modeling of protein sequence and biophysical properties (such as structural, functional, and spatial information, amino acid conservation, physicochemical variation, residue mobility, and thermodynamic stability) has been performed at Invitae for this missense variant, however the output from this modeling did not meet the statistical confidence thresholds required to predict the impact of this variant on EYS protein function. In summary, the available evidence is currently insufficient to determine the role of this variant in disease. Therefore, it has been classified as a Variant of Uncertain Significance.